The following is an entry in ClinVar:

ClinVar aggregate classification (germline): Likely benign. Review status: criteria provided, multiple submitters, no conflicts (2 of 4 stars). 2 submissions from 2 submitters: Likely benign (2). Last evaluated 2024-02-23.

Conditions:
Familial adenomatous polyposis 1 (FAP1). Also called: FAMILIAL ADENOMATOUS POLYPOSIS 1, ATTENUATED; POLYPOSIS, ADENOMATOUS INTESTINAL. Identifiers: MedGen C2713442, MONDO:0021056, OMIM 175100. Disease mechanism: loss of function.

Submissions (2):

Myriad Genetics, Inc.
Classification: Likely benign for Familial adenomatous polyposis 1. Last evaluated: 2024-02-23. Review status: criteria provided, single submitter. Criteria: Myriad Autosomal Dominant, Autosomal Recessive and X-Linked Classification Criteria (2023). Collection method: clinical testing. Allele origin: unknown.
Comment: This variant is considered likely benign. This variant is intronic and is not expected to impact mRNA splicing.

Labcorp Genetics (formerly Invitae), Labcorp
Classification: Likely benign for Familial adenomatous polyposis 1. Last evaluated: 2020-08-06. Review status: criteria provided, single submitter. Criteria: Invitae Variant Classification Sherloc (09022015). Collection method: clinical testing. Allele origin: germline.

NM_000038.6(APC):c.423-8A>T

Gene: APC (APC regulator of Wnt signaling pathway; plus strand). Cytogenetic location: 5q22.2.
Variant type: single nucleotide variant.
Coding change: c.423-8A>T on transcript NM_000038.6 (MANE Select); 8 bases into the intron before coding-DNA position 423, A replaced by T.
Molecular consequence: intron variant.
Genome position (GRCh38, 1-based): chr5:112,775,621, A>T. VCF-style: chr5-112775621-A-T. GRCh37 (hg19) VCF-style: chr5-112111318-A-T.
Other names: c.423-8A>T (NM_001354895.2, NM_001127510.3, NM_001354896.2 and 2 more transcripts); c.453-8A>T (NM_001354897.2, NM_001354902.2, NM_001127511.3); c.348-8A>T (NM_001354898.2, NM_001354904.2); c.-613-8A>T (NM_001354906.2); c.246-8A>T (NM_001354900.2, NM_001354901.2, NM_001354905.2).
Identifiers: ClinVar variation 1116379 (VCV001116379.11), dbSNP rs2149614206, ClinGen allele CA2499217420.
Genomic context (GRCh38, chr5:112,775,621, plus strand): 5'-AGTATTGCTCTTCTGCAGTCTTTATTAGCATTGTTTAAACGTACCTTTTTTTAAAAAAAA[A>T]AAAATAGGTCATTGCTTCTTGCTGATCTTGACAAAGAAGAAAAGGAAAAAGACTGGTATT-3'